The following is an entry in ClinVar:

NM_000503.6(EYA1):c.605del (p.Leu202fs)

Gene: EYA1 (EYA transcriptional coactivator and phosphatase 1; minus strand). Cytogenetic location: 8q13.3.
Variant type: Deletion.
Coding change: c.605del on transcript NM_000503.6 (MANE Select); coding-DNA position 605, one base deleted (T; older notation c.605delT).
Protein change: p.Leu202fs; shifts the reading frame from leucine 202.
Molecular consequence: frameshift variant.
Genome position (GRCh38, 1-based): chr8:71,299,672, A deleted on the plus strand (T on the coding strand, the reverse complement: EYA1 is on the minus strand). VCF-style (leftmost placement, unchanged base first): chr8-71299671-GA-G. GRCh37 (hg19) VCF-style: chr8-72211906-GA-G.
Other names: c.587del, p.Leu196fs (NM_001288574.2); c.239del, p.Leu80fs (NM_001288575.2); c.692del, p.Leu231fs (NM_001370333.1); c.605del, p.Leu202fs (NM_001370334.1, NM_001370335.1, NM_172058.4); c.674del, p.Leu225fs (NM_001370336.1); c.677del, p.Leu226fs (NM_172059.5); short protein forms L225fs, L80fs, L231fs, L196fs, L202fs, L226fs.
Identifiers: ClinVar variation 524074 (VCV000524074.2), dbSNP rs1554542073, ClinGen allele CA658795343.

ClinVar aggregate classification (germline): Pathogenic (1 of 4 stars; one submission).

Submission:

GeneDx
Classification: Pathogenic. Last evaluated: 2018-04-26. Review status: criteria provided, single submitter. Criteria: GeneDx Variant Classification (06012015). Collection method: clinical testing. Allele origin: germline. Affected: yes.
Comment: The c.605delT variant has not been published as a pathogenic variant, nor has it been reported as a benign variant to our knowledge. The variant is not observed in large population cohorts (Lek et al., 2016). The c.605delT variant causes a frameshift starting with codon Leucine 202, changes this amino acid to a Proline residue and creates a premature Stop codon at position 39 of the new reading frame, denoted p.Leu202ProfsX39. This variant is predicted to cause loss of normal protein function either through protein truncation or nonsense-mediated mRNA decay. In summary, we consider this variant to be pathogenic.